The following is an entry in ClinVar:

NM_031263.4(HNRNPK):c.517-7_521del

Genes: HNRNPK (heterogeneous nuclear ribonucleoprotein K; minus strand), HNRNPK-AS1 (HNRNPK antisense RNA 1; plus strand). Cytogenetic location: 9q21.32.
Variant type: Deletion.
Coding change: c.517-7_521del on transcript NM_031263.4 (MANE Select); 7 bases into the intron before coding-DNA position 517 through coding-DNA position 521, 12 bases deleted (ACTACAGAACAC).
Molecular consequence: splice acceptor variant.
Genome position (GRCh38, 1-based): chr9:83,972,968-83,972,979, GTGTTCTGTAGT deleted on the plus strand (ACTACAGAACAC on the coding strand, the reverse complement: HNRNPK is on the minus strand). VCF-style (leftmost placement, unchanged base first): chr9-83972967-AGTGTTCTGTAGT-A. GRCh37 (hg19) VCF-style: chr9-86587882-AGTGTTCTGTAGT-A.
Other names: c.517-7_521del (NM_031262.4, NM_002140.5, NM_001318188.2); c.445-7_449del (NM_001318186.2, NM_001318187.2).
Identifiers: ClinVar variation 2444110 (VCV002444110.1), dbSNP rs2491980894, ClinGen allele CA2580080629.

ClinVar aggregate classification (germline): Likely pathogenic (1 of 4 stars; one submission).

Conditions:
Au-Kline syndrome. Also called: Neurodevelopmental disorder-craniofacial dysmorphism-cardiac defect-hip dysplasia syndrome due to a point mutation; Okamoto syndrome. Identifiers: Orphanet 2729, Orphanet 453499, Orphanet 453504, MedGen C4225274, MONDO:0014700, OMIM 616580.

Submission:

3billion
Classification: Likely pathogenic for Au-Kline syndrome. Last evaluated: 2023-02-23. Review status: criteria provided, single submitter. Criteria: ACMG Guidelines, 2015. Collection method: clinical testing. Allele origin: unknown. Affected: yes.
Comment: The variant is not observed in the gnomAD v2.1.1 dataset. This variant was predicted to alter splicing and result in a loss or disruption of normal protein function. Multiple pathogenic loss-of-function variants are reported downstream of the variant. Therefore, this variant is classified as Likely pathogenic according to the recommendation of ACMG/AMP guideline.